The following is an entry in ClinVar:

NM_015001.3(SPEN):c.3008A>G (p.Lys1003Arg)

Gene: SPEN (spen family transcriptional repressor; plus strand). Cytogenetic location: 1p36.13.
Variant type: single nucleotide variant.
Coding change: c.3008A>G on transcript NM_015001.3 (MANE Select); coding-DNA position 3008, A replaced by G.
Protein change: p.Lys1003Arg; replaces lysine 1003 with arginine.
Molecular consequence: missense variant.
Genome position (GRCh38, 1-based): chr1:15,929,248, A>G. VCF-style: chr1-15929248-A-G. GRCh37 (hg19) VCF-style: chr1-16255743-A-G.
Other names: short protein forms K1003R.
Identifiers: ClinVar variation 3344957 (VCV003344957.2).
Genomic context (GRCh38, chr1:15,929,248, plus strand): 5'-CCAGGAAAAGGCGCTTTGCAGATTCCAATTTAAAAGCAGAAAAGCAAAAACCAGAGGTCA[A>G]GAAAAGCAGTCCAGAGATGGAGGATGCTCGCGTGCTTTCAAAAAAGCAGCCTGACGTGTC-3'
Protein context (NP_055816.2, residues 993-1013): LKAEKQKPEV[Lys1003Arg]KSSPEMEDAR

ClinVar aggregate classification (germline): Uncertain significance. Review status: criteria provided, single submitter (1 of 4 stars). 2 submissions from 2 submitters: Uncertain significance (1). 1 of the submissions does not count toward it. Last evaluated 2025-09-11.

Conditions:
SPEN-related disorder. Also called: SPEN-related condition.
Inborn genetic diseases. Identifiers: MedGen C0950123, MeSH D030342.

gnomAD v4.1: 3 of 1,614,120 alleles (0.00019%); highest among the groups gnomAD compares: African/African-American, 0.004%; no homozygotes.

Submissions (2):

Ambry Genetics
Classification: Uncertain significance for Inborn genetic diseases. Last evaluated: 2025-09-11. Review status: criteria provided, single submitter. Criteria: Ambry Variant Classification Scheme 2023. Collection method: clinical testing. Allele origin: germline.

PreventionGenetics, part of Exact Sciences
Classification: Uncertain significance for SPEN-related condition. Last evaluated: 2024-08-12. Review status: no assertion criteria provided. Collection method: clinical testing. Allele origin: germline. Not counted in ClinVar's aggregate classification.
Comment: The SPEN c.3008A>G variant is predicted to result in the amino acid substitution p.Lys1003Arg. To our knowledge, this variant has not been reported in the literature. This variant is reported in 0.011% of alleles in individuals of African descent in gnomAD. At this time, the clinical significance of this variant is uncertain due to the absence of conclusive functional and genetic evidence.